The following is an entry in ClinVar:

NM_130811.4(SNAP25):c.508_528dup (p.Arg176_Gln177insGluIleAspThrGlnAsnArg)

Gene: SNAP25 (synaptosome associated protein 25; plus strand). Cytogenetic location: 20p12.2.
Variant type: Duplication.
Coding change: c.508_528dup on transcript NM_130811.4 (MANE Select); coding-DNA positions 508 to 528, 21 bases duplicated (GAGATCGATACACAGAATCGC).
Protein change: p.Arg176_Gln177insGluIleAspThrGlnAsnArg.
Molecular consequence: inframe insertion.
Genome position (GRCh38, 1-based): chr20:10,299,368-10,299,388, GAGATCGATACACAGAATCGC duplicated. VCF-style (leftmost placement, unchanged base first): chr20-10299367-T-TGAGATCGATACACAGAATCGC. GRCh37 (hg19) VCF-style: chr20-10280015-T-TGAGATCGATACACAGAATCGC.
Other names: c.508_528dup, p.Arg176_Gln177insGluIleAspThrGlnAsnArg (NM_001322902.2, NM_001322903.2, NM_001322904.2 and 9 more transcripts).
Identifiers: ClinVar variation 2834612 (VCV002834612.3), dbSNP rs2514853315, ClinGen allele CA2739277068.

ClinVar aggregate classification (germline): Likely pathogenic (1 of 4 stars; one submission).

Conditions:
Congenital myasthenic syndrome 18. Also called: MYASTHENIC SYNDROME, CONGENITAL, 18, WITH INTELLECTUAL DISABILITY AND ATAXIA. Identifiers: Orphanet 590, MedGen C4225364, MONDO:0014590, OMIM 616330.

Submission:

Labcorp Genetics (formerly Invitae), Labcorp
Classification: Likely pathogenic for Congenital myasthenic syndrome 18. Last evaluated: 2023-03-09. Review status: criteria provided, single submitter. Criteria: Invitae Variant Classification Sherloc (09022015). Collection method: clinical testing. Allele origin: germline.
Comment: This variant, c.508_528dup, results in the insertion of 7 amino acid(s) of the SNAP25 protein (p.Glu170_Arg176dup), but otherwise preserves the integrity of the reading frame. This variant is not present in population databases (gnomAD no frequency). This variant has been observed in individual(s) with clinical features of SNAP25-related conditions (Invitae). In at least one individual the variant was observed to be de novo. In summary, the currently available evidence indicates that the variant is pathogenic, but additional data are needed to prove that conclusively. Therefore, this variant has been classified as Likely Pathogenic.